The following is an entry in ClinVar:

ClinVar aggregate classification (germline): Uncertain significance (1 of 4 stars; one submission).

Conditions:
Weaver syndrome (WVS). Also called: Weaver Smith syndrome; Overgrowth syndrome with accelerated skeletal maturation, unusual facies, and camptodactyly. Identifiers: Orphanet 3447, MedGen C0265210, MONDO:0010193, OMIM 277590.

Submission:

Labcorp Genetics (formerly Invitae), Labcorp
Classification: Uncertain significance for Weaver syndrome. Last evaluated: 2022-02-19. Review status: criteria provided, single submitter. Criteria: Invitae Variant Classification Sherloc (09022015). Collection method: clinical testing. Allele origin: germline.
Comment: This sequence change replaces threonine, which is neutral and polar, with serine, which is neutral and polar, at codon 573 of the EZH2 protein (p.Thr573Ser). In summary, the available evidence is currently insufficient to determine the role of this variant in disease. Therefore, it has been classified as a Variant of Uncertain Significance. Algorithms developed to predict the effect of missense changes on protein structure and function (SIFT, PolyPhen-2, Align-GVGD) all suggest that this variant is likely to be tolerated. This variant has not been reported in the literature in individuals affected with EZH2-related conditions. This variant is not present in population databases (gnomAD no frequency).

NM_004456.5(EZH2):c.1717A>T (p.Thr573Ser)

Gene: EZH2 (enhancer of zeste 2 polycomb repressive complex 2 subunit; minus strand). Cytogenetic location: 7q36.1.
Variant type: single nucleotide variant.
Coding change: c.1717A>T on transcript NM_004456.5 (MANE Select); coding-DNA position 1717, A replaced by T.
Protein change: p.Thr573Ser; replaces threonine 573 with serine.
Molecular consequence: missense variant.
Genome position (GRCh38, 1-based): chr7:148,814,093, T>A on the plus strand (A>T on the coding strand, the complement: EZH2 is on the minus strand). VCF-style: chr7-148814093-T-A. GRCh37 (hg19) VCF-style: chr7-148511185-T-A.
Other names: c.1702A>T, p.Thr568Ser (NM_001203247.2); c.1675A>T, p.Thr559Ser (NM_001203248.2); c.1549A>T, p.Thr517Ser (NM_001203249.2); c.1585A>T, p.Thr529Ser (NM_152998.3); short protein forms T568S, T517S, T573S, T529S, T559S.
Identifiers: ClinVar variation 2094887 (VCV002094887.4), dbSNP rs2536491903, ClinGen allele CA369713545.